The following is an entry in ClinVar:

ClinVar aggregate classification (germline): Uncertain significance (1 of 4 stars; one submission).

Allele frequency attached by ClinVar (database versions not stated): gnomAD exomes below 0.00001; TOPMed 0.00002.
gnomAD v4.1: 3 of 1,607,536 alleles (0.00019%); highest among the groups gnomAD compares: Admixed American, 0.0034%; no homozygotes.

Submission:

Greenwood Genetic Center Diagnostic Laboratories, Greenwood Genetic Center
Classification: Uncertain significance. Last evaluated: 2023-04-19. Review status: criteria provided, single submitter. Criteria: ACMG Guidelines, 2015. Collection method: clinical testing. Allele origin: germline. Affected: yes.
Comment: PM2

NM_006759.4(UGP2):c.19+4A>G

Gene: UGP2 (UDP-glucose pyrophosphorylase 2; plus strand). Cytogenetic location: 2p15.
Variant type: single nucleotide variant.
Coding change: c.19+4A>G on transcript NM_006759.4 (MANE Select); 4 bases into the intron after coding-DNA position 19, A replaced by G.
Molecular consequence: intron variant.
Genome position (GRCh38, 1-based): chr2:63,842,208, A>G. VCF-style: chr2-63842208-A-G. GRCh37 (hg19) VCF-style: chr2-64069342-A-G.
Other names: c.-571-331A>G (NM_001377529.1); c.-75-331A>G (NM_001377525.1); c.-511+976A>G (NM_001377526.1); c.-430+976A>G (NM_001377528.1); c.-15+976A>G (NM_001001521.2); c.-106+976A>G (NM_001377527.1); c.-76+4A>G (NM_001377524.1).
Identifiers: ClinVar variation 2572348 (VCV002572348.1), dbSNP rs1019860575, ClinGen allele CA48493922.
Genomic context (GRCh38, chr2:63,842,208, plus strand): 5'-AAAAAAAAAAAGCCGGAGTATTTTACTAAGCCCCTAAAATGTCGAGATTTGTACAAGGTA[A>G]GAAATGCTGCTGCTTATATCCCGAGTTGCTTCAGGCAAATTTGGGTACTGACAGTGGAGA-3'